The following is an entry in ClinVar:

ClinVar aggregate classification (germline): Uncertain significance (1 of 4 stars; one submission).

Conditions:
Hereditary cancer-predisposing syndrome. Also called: Neoplastic Syndromes, Hereditary; Tumor predisposition; Hereditary neoplastic syndrome; Hereditary Cancer Syndrome. Identifiers: Orphanet 140162, MedGen C0027672, MeSH D009386, MONDO:0015356.

Submission:

Ambry Genetics
Classification: Uncertain significance for Hereditary cancer-predisposing syndrome. Last evaluated: 2018-05-29. Review status: criteria provided, single submitter. Criteria: Ambry Variant Classification Scheme 2023. Collection method: clinical testing. Allele origin: germline.
Comment: The p.Y264N variant (also known as c.790T>A), located in coding exon 6 of the ATM gene, results from a T to A substitution at nucleotide position 790. The tyrosine at codon 264 is replaced by asparagine, an amino acid with dissimilar properties. This amino acid position is well conserved in available vertebrate species. In addition, the in silico prediction for this alteration is inconclusive. Since supporting evidence is limited at this time, the clinical significance of this alteration remains unclear.

NM_000051.4(ATM):c.790T>A (p.Tyr264Asn)

Gene: ATM (ATM serine/threonine kinase; plus strand). Cytogenetic location: 11q22.3.
Variant type: single nucleotide variant.
Coding change: c.790T>A on transcript NM_000051.4 (MANE Select); coding-DNA position 790, T replaced by A.
Protein change: p.Tyr264Asn; replaces tyrosine 264 with asparagine.
Molecular consequence: missense variant.
Genome position (GRCh38, 1-based): chr11:108,244,915, T>A. VCF-style: chr11-108244915-T-A. GRCh37 (hg19) VCF-style: chr11-108115642-T-A.
Other names: c.790T>A, p.Tyr264Asn (NM_001351834.2); short protein forms Y264N.
Identifiers: ClinVar variation 827327 (VCV000827327.4), dbSNP rs1591504199, ClinGen allele CA382529346.
Genomic context (GRCh38, chr11:108,244,915, plus strand): 5'-GCTGTCAACTTTCGAATTCGAGTGTGTGAATTAGGAGATGAAATTCTTCCCACTTTGCTT[T>A]ATATTTGGACTCAACATAGGCTTAATGATTCTTTAAAAGAAGTCATTATTGAATTATTTC-3'
Protein context (NP_000042.3, residues 254-274): LGDEILPTLL[Tyr264Asn]IWTQHRLNDS